The following is an entry in ClinVar:

NM_000422.3(KRT17):c.1274A>G (p.Glu425Gly)

Gene: KRT17 (keratin 17; minus strand). Cytogenetic location: 17q21.2.
Variant type: single nucleotide variant.
Coding change: c.1274A>G on transcript NM_000422.3 (MANE Select); coding-DNA position 1274, A replaced by G.
Protein change: p.Glu425Gly; replaces glutamic acid 425 with glycine.
Molecular consequence: missense variant.
Genome position (GRCh38, 1-based): chr17:41,619,619, T>C on the plus strand (A>G on the coding strand, the complement: KRT17 is on the minus strand). VCF-style: chr17-41619619-T-C. GRCh37 (hg19) VCF-style: chr17-39775871-T-C.
Other names: short protein forms E425G.
Identifiers: ClinVar variation 2724979 (VCV002724979.3), dbSNP rs1176808154, ClinGen allele CA399500119.
Genomic context (GRCh38, chr17:41,619,619, plus strand): 5'-TGCCTCCTGGGTGGCCGGCCGGGGTAGCTGAGTCCTCAGCGGGTGGTCTGGTGGACCTGC[T>C]CGCGGGAGGAGATGACCTTGCCATCCTGGACCTCTTCCACAATGGTACGCACCTGACGGG-3'
Protein context (NP_000413.1, residues 415-432): VQDGKVISSR[Glu425Gly]QVHQTTR

ClinVar aggregate classification (germline): Uncertain significance (1 of 4 stars; one submission).

Allele frequency attached by ClinVar (database versions not stated): gnomAD exomes below 0.00001.
gnomAD v4.1: 2 of 1,612,136 alleles (0.00012%); highest among the groups gnomAD compares: African/African-American, 0.0027%; no homozygotes.

Submission:

Labcorp Genetics (formerly Invitae), Labcorp
Classification: Uncertain significance. Last evaluated: 2023-06-23. Review status: criteria provided, single submitter. Criteria: Invitae Variant Classification Sherloc (09022015). Collection method: clinical testing. Allele origin: germline.
Comment: In summary, the available evidence is currently insufficient to determine the role of this variant in disease. Therefore, it has been classified as a Variant of Uncertain Significance. Advanced modeling of protein sequence and biophysical properties (such as structural, functional, and spatial information, amino acid conservation, physicochemical variation, residue mobility, and thermodynamic stability) has been performed at Invitae for this missense variant, however the output from this modeling did not meet the statistical confidence thresholds required to predict the impact of this variant on KRT17 protein function. This variant has not been reported in the literature in individuals affected with KRT17-related conditions. This sequence change replaces glutamic acid, which is acidic and polar, with glycine, which is neutral and non-polar, at codon 425 of the KRT17 protein (p.Glu425Gly). This variant is present in population databases (no rsID available, gnomAD 0.007%).